The following is an entry in ClinVar:

ClinVar aggregate classification (germline): Likely benign. Review status: criteria provided, single submitter (1 of 4 stars). 2 submissions from 2 submitters: Likely benign (1). 1 of the submissions does not count toward it. Last evaluated 2024-08-12.

Conditions:
DNAH11-related disorder. Also called: DNAH11-related condition.
Primary ciliary dyskinesia. Also called: Ciliary dyskinesia. Identifiers: Orphanet 244, MedGen C0008780, MONDO:0016575, HP:0012265.

Submissions (2):

Labcorp Genetics (formerly Invitae), Labcorp
Classification: Likely benign for Primary ciliary dyskinesia. Last evaluated: 2024-08-12. Review status: criteria provided, single submitter. Criteria: Invitae Variant Classification Sherloc (09022015). Collection method: clinical testing. Allele origin: germline.

PreventionGenetics, part of Exact Sciences
Classification: Likely benign for DNAH11-related condition. Last evaluated: 2019-07-23. Review status: no assertion criteria provided. Collection method: clinical testing. Allele origin: germline. Not counted in ClinVar's aggregate classification.
Comment: This variant is classified as likely benign based on ACMG/AMP sequence variant interpretation guidelines (Richards et al. 2015 PMID: 25741868, with internal and published modifications).

NM_001277115.2(DNAH11):c.6274-5dup

Gene: DNAH11 (dynein axonemal heavy chain 11; plus strand). Cytogenetic location: 7p15.3.
Variant type: Duplication.
Coding change: c.6274-5dup on transcript NM_001277115.2 (MANE Select); 5 bases into the intron before coding-DNA position 6274, one base duplicated (T; older notation c.6274-5dupT).
Molecular consequence: intron variant.
Genome position (GRCh38, 1-based): chr7:21,704,429, T duplicated; the last of 9 consecutive T bases (chr7:21,704,421-21,704,429); duplicating any one gives the same sequence. VCF-style (leftmost placement, unchanged base first): chr7-21704420-G-GT. GRCh37 (hg19) VCF-style: chr7-21744038-G-GT.
Other names: c.6274-5dupT (NM_001277115.1).
Identifiers: ClinVar variation 1989798 (VCV001989798.6), dbSNP rs762673009, ClinGen allele CA4180769.